The following is an entry in ClinVar:

NM_006314.3(CNKSR1):c.1262G>A (p.Trp421Ter)

Gene: CNKSR1 (connector enhancer of kinase suppressor of Ras 1; plus strand). Cytogenetic location: 1p36.11.
Variant type: single nucleotide variant.
Coding change: c.1262G>A on transcript NM_006314.3 (MANE Select); coding-DNA position 1262, G replaced by A.
Protein change: p.Trp421Ter; replaces tryptophan 421 with a stop codon.
Molecular consequence: nonsense.
Genome position (GRCh38, 1-based): chr1:26,185,140, G>A. VCF-style: chr1-26185140-G-A. GRCh37 (hg19) VCF-style: chr1-26511631-G-A.
Other names: c.1283G>A, p.Trp428Ter (NM_001297647.2); c.488G>A, p.Trp163Ter (NM_001297648.2); short protein forms W163*, W421*, W428*.
Identifiers: ClinVar variation 4853945 (VCV004853945.1).

ClinVar aggregate classification (germline): Likely pathogenic (1 of 4 stars; one submission).

Conditions:
CNKSR1-related disorder. Also called: CNKSR1-related condition.

gnomAD v4.1: 239 of 1,575,342 alleles (0.015%); highest among the groups gnomAD compares: Non-Finnish European, 0.02%; no homozygotes.

Submission:

3billion
Classification: Likely pathogenic for CNKSR1-related disorder. Last evaluated: 2025-09-10. Review status: criteria provided, single submitter. Criteria: ACMG Guidelines, 2015. Collection method: clinical testing. Allele origin: germline. Affected: yes.
Comment: The variant is observed at an extremely low frequency in the gnomAD v4.1.0 dataset (total allele frequency: 0.015%). Predicted Consequence/Location: Stop-gained (nonsense): predicted to result in a loss or disruption of normal protein function through nonsense-mediated decay (NMD) or protein truncation. Multiple pathogenic variants are reported downstream of the variant. Therefore, this variant is classified as Likely pathogenic according to the recommendation of ACMG/AMP guideline.